The following is an entry in ClinVar:

NM_054027.6(ANKH):c.*52G>A

Genes: ANKH (ANKH inorganic pyrophosphate transport regulator; minus strand), OTULIN (OTU deubiquitinase with linear linkage specificity; plus strand). Cytogenetic location: 5p15.2.
Variant type: single nucleotide variant.
Coding change: c.*52G>A on transcript NM_054027.6 (MANE Select); 52 bases downstream of the stop codon, G replaced by A.
Molecular consequence: 3 prime UTR variant.
Genome position (GRCh38, 1-based): chr5:14,711,145, C>T on the plus strand (G>A on the coding strand, the complement: ANKH is on the minus strand). VCF-style: chr5-14711145-C-T. GRCh37 (hg19) VCF-style: chr5-14711254-C-T.
Identifiers: ClinVar variation 351495 (VCV000351495.5), dbSNP rs369937597, ClinGen allele CA10623052.

ClinVar aggregate classification (germline): Benign. Review status: criteria provided, single submitter (1 of 4 stars). 2 submissions from 1 submitter: Benign (2). Last evaluated 2018-01-13.

Conditions:
Chondrocalcinosis 2. Also called: CALCIUM GOUT; CALCIUM PYROPHOSPHATE ARTHROPATHY; Familial calcium pyrophosphate deposition. Identifiers: Orphanet 1416, MedGen C0856830, MONDO:0007319, OMIM 118600.
Craniometaphyseal dysplasia, autosomal dominant (CMDD). Identifiers: Orphanet 1522, MedGen C1852502, MONDO:0007397, OMIM 123000.

Allele frequency attached by ClinVar (database versions not stated): gnomAD 0.00180 and 0.00200; 1000 Genomes Project 0.00200; TOPMed 0.00209; ESP Exome Variant Server 0.00227; 1000 Genomes Project 30x 0.00250.
gnomAD v4.1: 807 of 1,435,572 alleles (0.056%); highest among the groups gnomAD compares: African/African-American, 0.6%; 1 homozygote.

Submissions (2):

Illumina Laboratory Services, Illumina
Classification: Benign for Chondrocalcinosis 2. Last evaluated: 2018-01-13. Review status: criteria provided, single submitter. Criteria: ICSL Variant Classification Criteria 13 December 2019. Collection method: clinical testing. Allele origin: germline.
Comment: This variant was observed in the ICSL laboratory as part of a predisposition screen in an ostensibly healthy population. It had not been previously curated by ICSL or reported in the Human Gene Mutation Database (HGMD: prior to June 1st, 2018), and was therefore a candidate for classification through an automated scoring system. Utilizing variant allele frequency, disease prevalence and penetrance estimates, and inheritance mode, an automated score was calculated to assess if this variant is too frequent to cause the disease. Based on the score and internal cut-off values, a variant classified as benign is not then subjected to further curation. The score for this variant resulted in a classification of benign for this disease.

Illumina Laboratory Services, Illumina
Classification: Benign for Craniometaphyseal dysplasia, autosomal dominant. Last evaluated: 2018-01-13. Review status: criteria provided, single submitter. Criteria: ICSL Variant Classification Criteria 13 December 2019. Collection method: clinical testing. Allele origin: germline.
Comment: the same text as in the submission from Illumina Laboratory Services, Illumina above.